The following is an entry in ClinVar:

ClinVar aggregate classification (germline): Conflicting classifications of pathogenicity. Review status: criteria provided, conflicting classifications (1 of 4 stars). 3 submissions from 3 submitters: Uncertain significance (1); Likely benign (1). 1 of the submissions does not count toward it. Last evaluated 2024-12-02.

Conditions:
Epidermolysis bullosa dystrophica. Also called: Dystrophic epidermolysis bullosa, Hallopeau-Siemens type (formerly); Dystrophic epidermolysis bullosa. Identifiers: Orphanet 303, MedGen C0079294, MONDO:0006543.
COL7A1-related disorder. Also called: COL7A1- related disorders; COL7A1-related condition.

Allele frequency attached by ClinVar (database versions not stated): gnomAD exomes below 0.00001; TOPMed 0.00001.
gnomAD v4.1: 41 of 1,613,830 alleles (0.0025%); highest among the groups gnomAD compares: African/African-American, 0.0053%; no homozygotes.

Submissions (3):

Labcorp Genetics (formerly Invitae), Labcorp
Classification: Likely benign. Last evaluated: 2024-12-02. Review status: criteria provided, single submitter. Criteria: Invitae Variant Classification Sherloc (09022015). Collection method: clinical testing. Allele origin: germline.

Illumina Laboratory Services, Illumina
Classification: Uncertain significance for Dystrophic epidermolysis bullosa. Last evaluated: 2018-01-12. Review status: criteria provided, single submitter. Criteria: ICSL Variant Classification Criteria 13 December 2019. Collection method: clinical testing. Allele origin: germline.

PreventionGenetics, part of Exact Sciences
Classification: Likely benign for COL7A1-related condition. Last evaluated: 2024-02-22. Review status: no assertion criteria provided. Collection method: clinical testing. Allele origin: germline. Not counted in ClinVar's aggregate classification.
Comment: This variant is classified as likely benign based on ACMG/AMP sequence variant interpretation guidelines (Richards et al. 2015 PMID: 25741868, with internal and published modifications).

NM_000094.4(COL7A1):c.2442C>T (p.Gly814=)

Gene: COL7A1 (collagen type VII alpha 1 chain; minus strand). Cytogenetic location: 3p21.31.
Variant type: single nucleotide variant.
Coding change: c.2442C>T on transcript NM_000094.4 (MANE Select); coding-DNA position 2442, C replaced by T.
Protein change: p.Gly814=; no amino-acid change (glycine 814 retained).
Molecular consequence: synonymous variant.
Genome position (GRCh38, 1-based): chr3:48,588,787, G>A on the plus strand (C>T on the coding strand, the complement: COL7A1 is on the minus strand). VCF-style: chr3-48588787-G-A. GRCh37 (hg19) VCF-style: chr3-48626220-G-A.
Identifiers: ClinVar variation 900945 (VCV000900945.8), dbSNP rs546082340, ClinGen allele CA73987861.